The following is an entry in ClinVar:

NM_000059.4(BRCA2):c.8491A>T (p.Met2831Leu)

Gene: BRCA2 (BRCA2 DNA repair associated; plus strand). Cytogenetic location: 13q13.1.
Variant type: single nucleotide variant.
Coding change: c.8491A>T on transcript NM_000059.4 (MANE Select); coding-DNA position 8491, A replaced by T.
Protein change: p.Met2831Leu; replaces methionine 2831 with leucine.
Molecular consequence: missense variant.
Genome position (GRCh38, 1-based): chr13:32,370,959, A>T. VCF-style: chr13-32370959-A-T. GRCh37 (hg19) VCF-style: chr13-32945096-A-T.
Other names: short protein forms M2831L.
Identifiers: ClinVar variation 577283 (VCV000577283.16), dbSNP rs760663398, ClinGen allele CA387752663.

ClinVar aggregate classification (germline): Uncertain significance. Review status: criteria provided, multiple submitters, no conflicts (2 of 4 stars). 3 submissions from 3 submitters: Uncertain significance (3). Last evaluated 2025-11-17.

Conditions:
Hereditary cancer-predisposing syndrome. Also called: Tumor predisposition; Hereditary neoplastic syndrome; Hereditary Cancer Syndrome; Neoplastic Syndromes, Hereditary. Identifiers: Orphanet 140162, MedGen C0027672, MeSH D009386, MONDO:0015356.
Hereditary breast ovarian cancer syndrome. Also called: Hereditary breast and ovarian cancer; Breast and ovarian cancer; Hereditary breast and ovarian cancer syndrome; BRCA1- and BRCA2-Associated Hereditary Breast and Ovarian Cancer; Hereditary breast and/or ovarian cancer syndrome; Hereditary breast and ovarian cancer syndrome (HBOC). Identifiers: Orphanet 145, MedGen C0677776, MeSH D061325, MONDO:0003582. Disease mechanism: loss of function.
Familial cancer of breast. Also called: hereditary breast carcinoma; BREAST CANCER, FAMILIAL; Hereditary breast cancer. Identifiers: Orphanet 227535, MedGen C0346153, MONDO:0016419, OMIM 114480. Disease mechanism: loss of function.

Allele frequency attached by ClinVar (database versions not stated): TOPMed below 0.00001.

Submissions (3):

Labcorp Genetics (formerly Invitae), Labcorp
Classification: Uncertain significance for Hereditary breast ovarian cancer syndrome. Last evaluated: 2025-11-17. Review status: criteria provided, single submitter. Criteria: Invitae Variant Classification Sherloc (09022015). Collection method: clinical testing. Allele origin: germline.
Comment: This sequence change replaces methionine, which is neutral and non-polar, with leucine, which is neutral and non-polar, at codon 2831 of the BRCA2 protein (p.Met2831Leu). This variant is not present in population databases (gnomAD no frequency). This missense change has been observed in individual(s) with hereditary breast and ovarian cancer (PMID: 29176636). ClinVar contains an entry for this variant (Variation ID: 577283). Invitae Evidence Modeling of protein sequence and biophysical properties (such as structural, functional, and spatial information, amino acid conservation, physicochemical variation, residue mobility, and thermodynamic stability) indicates that this missense variant is not expected to disrupt BRCA2 protein function with a negative predictive value of 95%. Experimental studies have shown that this missense change does not substantially affect BRCA2 function (PMID: 37731132). In summary, the available evidence is currently insufficient to determine the role of this variant in disease. Therefore, it has been classified as a Variant of Uncertain Significance.

Baylor Genetics
Classification: Uncertain significance for Familial cancer of breast. Last evaluated: 2023-12-19. Review status: criteria provided, single submitter. Criteria: ACMG Guidelines, 2015. Collection method: clinical testing. Allele origin: unknown.

Ambry Genetics
Classification: Uncertain significance for Hereditary cancer-predisposing syndrome. Last evaluated: 2023-08-05. Review status: criteria provided, single submitter. Criteria: Ambry Variant Classification Scheme 2023. Collection method: clinical testing. Allele origin: germline.
Comment: The p.M2831L variant (also known as c.8491A>T), located in coding exon 19 of the BRCA2 gene, results from an A to T substitution at nucleotide position 8491. The methionine at codon 2831 is replaced by leucine, an amino acid with highly similar properties. This alteration was reported in a Japanese family undergoing BRCA1/2 testing (Arai M et al. J. Hum. Genet., 2018 Apr;63:447-457). This amino acid position is not well conserved in available vertebrate species. In addition, the in silico prediction for this alteration is inconclusive. Since supporting evidence is limited at this time, the clinical significance of this alteration remains unclear.

Literature cited by the submitters: PubMed 29176636 (cited by Labcorp Genetics (formerly Invitae), Labcorp and Ambry Genetics); PubMed 37731132 (cited by Labcorp Genetics (formerly Invitae), Labcorp); PubMed 29884841 (cited by Ambry Genetics).